The following is an entry in ClinVar:

NM_000138.5(FBN1):c.6005del (p.Pro2002fs)

Gene: FBN1 (fibrillin 1; minus strand). Cytogenetic location: 15q21.1.
Variant type: Deletion.
Coding change: c.6005del on transcript NM_000138.5 (MANE Select); coding-DNA position 6005, one base deleted (C; older notation c.6005delC).
Protein change: p.Pro2002fs; shifts the reading frame from proline 2002.
Molecular consequence: frameshift variant.
Genome position (GRCh38, 1-based): chr15:48,444,573, G deleted on the plus strand (C on the coding strand, the reverse complement: FBN1 is on the minus strand); the first of 2 consecutive G bases (chr15:48,444,573-48,444,574); deleting either gives the same sequence. VCF-style (leftmost placement, unchanged base first): chr15-48444572-AG-A. GRCh37 (hg19) VCF-style: chr15-48736769-AG-A.
Other names: c.6005delC (NM_000138.4); short protein forms P2002fs.
Identifiers: ClinVar variation 419612 (VCV000419612.2), dbSNP rs1064793989, ClinGen allele CA16619948.

ClinVar aggregate classification (germline): Pathogenic (1 of 4 stars; one submission).

Submission:

GeneDx
Classification: Pathogenic. Last evaluated: 2015-09-05. Review status: criteria provided, single submitter. Criteria: GeneDx Variant Classification (06012015). Collection method: clinical testing. Allele origin: germline. Affected: yes.
Comment: The c.6005delC deletion in the FBN1 gene has not been reported previously as a pathogenic variant nor as a benign polymorphism, to our knowledge. The c.6005delC deletion causes a frameshiftstarting with codon Proline 2002, changes this amino acid to a Leucine residue, and creates a prematureStop codon at position 57 of the new reading frame, denoted p.Pro2002LeufsX57. This variant ispredicted to cause loss of normal protein function either through protein truncation or nonsense-mediatedmRNA decay. The c.6005delC deletion was not observed in approximately 6,500 individuals of Europeanand African American ancestry in the NHLBI Exome Sequencing Project, indicating it is not a commonbenign variant in these populations. We interpret c.6005delC as a pathogenic variant.